The following is an entry in ClinVar:

ClinVar aggregate classification (germline): Benign/Likely benign. Review status: criteria provided, multiple submitters, no conflicts (2 of 4 stars). 4 submissions from 4 submitters: Benign (3); Likely benign (1). Last evaluated 2025-12-26.

Conditions:
SLC52A1-related disorder. Also called: SLC52A1-related condition.
Vitamin B2 deficiency. Identifiers: MedGen C0035528.

Allele frequency attached by ClinVar (database versions not stated): ExAC 0.00140; gnomAD 0.00405 and 0.00426; TOPMed 0.00490; ESP Exome Variant Server 0.00538; 1000 Genomes Project 30x 0.00640; 1000 Genomes Project 0.00719.
gnomAD v4.1: 1,364 of 1,614,206 alleles (0.084%); highest among the groups gnomAD compares: African/African-American, 1.5%; 12 homozygotes.

Submissions (5):

Labcorp Genetics (formerly Invitae), Labcorp
Classification: Benign for Vitamin B2 deficiency. Last evaluated: 2025-12-26. Review status: criteria provided, single submitter. Criteria: Invitae Variant Classification Sherloc (09022015). Collection method: clinical testing. Allele origin: germline.

PreventionGenetics, part of Exact Sciences
Classification: Likely benign for SLC52A1-related condition. Last evaluated: 2025-04-08. Review status: criteria provided, single submitter. Criteria: ACMG Guidelines, 2015. Collection method: clinical testing. Allele origin: germline.
Comment: This variant is classified as likely benign based on ACMG/AMP sequence variant interpretation guidelines (Richards et al. 2015 PMID: 25741868, with internal and published modifications).

Center for Pediatric Genomic Medicine, Children's Mercy Hospital and Clinics
Classification: Benign. Last evaluated: 2017-01-05. Review status: criteria provided, single submitter. Criteria: ACMG Guidelines, 2015. Collection method: clinical testing. Allele origin: germline.

Breakthrough Genomics
Classification: Benign. Review status: criteria provided, single submitter. Criteria: ACMG Guidelines, 2015. Collection method: not provided. Allele origin: germline. Inheritance: Autosomal dominant inheritance. Affected: yes.

Dr. Peter K. Rogan Lab, Western University
No classification provided (evidence only). Condition: Uterine corpus endometrial carcinoma. Review status: no classification provided. Collection method: in vitro. Allele origin: not applicable. Functional consequence: retained intron. Not counted in ClinVar's aggregate classification.

NM_017986.4(SLC52A1):c.371C>T (p.Ala124Val)

Gene: SLC52A1 (solute carrier family 52 member 1; minus strand). Cytogenetic location: 17p13.2.
Variant type: single nucleotide variant.
Coding change: c.371C>T on transcript NM_017986.4 (MANE Select); coding-DNA position 371, C replaced by T.
Protein change: p.Ala124Val; replaces alanine 124 with valine.
Molecular consequence: missense variant.
Genome position (GRCh38, 1-based): chr17:5,034,118, G>A on the plus strand (C>T on the coding strand, the complement: SLC52A1 is on the minus strand). VCF-style: chr17-5034118-G-A. GRCh37 (hg19) VCF-style: chr17-4937413-G-A.
Other names: c.371C>T, p.Ala124Val (NM_001104577.2); c.371C>T (NM_001104577.1); short protein forms A124V.
Identifiers: ClinVar variation 377104 (VCV000377104.17), dbSNP rs146289149, ClinGen allele CA8319804.